The following is an entry in ClinVar:

NM_001130009.3(GEN1):c.391G>T (p.Ala131Ser)

Gene: GEN1 (GEN1 structure-specific endonuclease; plus strand). Cytogenetic location: 2p24.2.
Variant type: single nucleotide variant.
Coding change: c.391G>T on transcript NM_001130009.3 (MANE Select); coding-DNA position 391, G replaced by T.
Protein change: p.Ala131Ser; replaces alanine 131 with serine.
Molecular consequence: missense variant.
Genome position (GRCh38, 1-based): chr2:17,764,939, G>T. VCF-style: chr2-17764939-G-T. GRCh37 (hg19) VCF-style: chr2-17946206-G-T.
Other names: c.391G>T (NM_182625.4); c.391G>T, p.Ala131Ser (NM_182625.5); short protein forms A131S.
Identifiers: ClinVar variation 4263117 (VCV004263117.2).
Genomic context (GRCh38, chr2:17,764,939, plus strand): 5'-CCTGCTTTTTGTTTTCAGTGCCTCCATATGCTCGAATGCTTAGGAATCCCCTGGGTTCAG[G>T]CTGCTGGGGAAGCTGAAGCCATGTGTGCTTATCTCAATGCTGGTGGTCATGTCGATGGCT-3'
Protein context (NP_001123481.3, residues 121-141): LECLGIPWVQ[Ala131Ser]AGEAEAMCAY

ClinVar aggregate classification (germline): Uncertain significance. Review status: criteria provided, multiple submitters, no conflicts (2 of 4 stars). 2 submissions from 2 submitters: Uncertain significance (2). Last evaluated 2026-01-22.

Conditions:
GEN1-related disorder. Also called: GEN1-related condition.

Submissions (2):

PreventionGenetics, part of Exact Sciences
Classification: Uncertain significance for GEN1-related condition. Last evaluated: 2026-01-22. Review status: criteria provided, single submitter. Criteria: ACMG Guidelines, 2015. Collection method: clinical testing. Allele origin: germline.
Comment: The GEN1 c.391G>T variant is predicted to result in the amino acid substitution p.Ala131Ser. To our knowledge, this variant has not been reported in the literature or in a large population database (gnomAD), indicating this variant is rare. At this time, the clinical significance of this variant is uncertain due to the absence of conclusive functional and genetic evidence.

Ambry Genetics
Classification: Uncertain significance. Last evaluated: 2025-09-01. Review status: criteria provided, single submitter. Criteria: Ambry Variant Classification Scheme 2023. Collection method: clinical testing. Allele origin: germline.
Comment: The p.A131S variant (also known as c.391G>T), located in coding exon 3 of the GEN1 gene, results from a G to T substitution at nucleotide position 391. The alanine at codon 131 is replaced by serine, an amino acid with similar properties. This amino acid position is conserved. In addition, the in silico prediction for this alteration is inconclusive. Based on the available evidence, the clinical significance of this variant remains unclear.